The following is an entry in ClinVar:

NM_207122.2(EXT2):c.264C>T (p.His88=)

Gene: EXT2 (exostosin glycosyltransferase 2; plus strand). Cytogenetic location: 11p11.2.
Variant type: single nucleotide variant.
Coding change: c.264C>T on transcript NM_207122.2 (MANE Select); coding-DNA position 264, C replaced by T.
Protein change: p.His88=; no amino-acid change (histidine 88 retained).
Molecular consequence: synonymous variant.
Genome position (GRCh38, 1-based): chr11:44,107,976, C>T. VCF-style: chr11-44107976-C-T. GRCh37 (hg19) VCF-style: chr11-44129526-C-T.
Other names: c.363C>T, p.His121= (NM_000401.3); c.264C>T, p.His88= (NM_001178083.3, NM_001389628.1, NM_001389630.1).
Identifiers: ClinVar variation 304576 (VCV000304576.19), dbSNP rs35455466, ClinGen allele CA5954852.

ClinVar aggregate classification (germline): Benign/Likely benign. Review status: criteria provided, multiple submitters, no conflicts (2 of 4 stars). 7 submissions from 6 submitters: Benign (6); Likely benign (1). Last evaluated 2026-01-26.

Conditions:
Exostoses, multiple, type 1 (EXT1). Also called: EXOSTOSES, MULTIPLE, TYPE I; Hereditary Multiple Osteochondromatosis, Type I. Identifiers: MedGen CN263289, MONDO:0007585, OMIM 133700.
Exostoses, multiple, type 2 (EXT2). Also called: EXOSTOSES, MULTIPLE, TYPE II; Hereditary Multiple Osteochondromatosis, Type II. Identifiers: Orphanet 321, MedGen C1851413, MONDO:0007586, OMIM 133701.

Allele frequency attached by ClinVar (database versions not stated): gnomAD exomes 0.00127 and 0.00326; ExAC 0.00400; gnomAD 0.01259 and 0.01345; TOPMed 0.01411; ESP Exome Variant Server 0.01430; 1000 Genomes Project 30x 0.01468; 1000 Genomes Project 0.01518.
gnomAD v4.1: 3,880 of 1,614,210 alleles (0.24%); highest among the groups gnomAD compares: African/African-American, 4.4%; 77 homozygotes.

Submissions (7):

Labcorp Genetics (formerly Invitae), Labcorp
Classification: Benign for Exostoses, multiple, type 2. Last evaluated: 2026-01-26. Review status: criteria provided, single submitter. Criteria: Invitae Variant Classification Sherloc (09022015). Collection method: clinical testing. Allele origin: germline.

KCCC/NGS Laboratory, Kuwait Cancer Control Center
Classification: Benign for Exostoses, multiple, type 2. Last evaluated: 2025-02-01. Review status: criteria provided, single submitter. Criteria: ACMG Guidelines, 2015. Collection method: clinical testing. Allele origin: germline. Affected: no.

Blueprint Genetics
Classification: Likely benign. Last evaluated: 2024-11-25. Review status: criteria provided, single submitter. Criteria: ACMG Guidelines, 2015. Collection method: clinical testing. Allele origin: germline.

KCCC/NGS Laboratory, Kuwait Cancer Control Center
Classification: Benign for Exostoses, multiple, type 1. Last evaluated: 2023-07-07. Review status: criteria provided, single submitter. Criteria: ACMG Guidelines, 2015. Collection method: clinical testing. Allele origin: germline. Affected: yes.

Illumina Laboratory Services, Illumina
Classification: Benign for Exostoses, multiple, type 2. Last evaluated: 2018-01-12. Review status: criteria provided, single submitter. Criteria: ICSL Variant Classification Criteria 13 December 2019. Collection method: clinical testing. Allele origin: germline.
Comment: This variant was observed in the ICSL laboratory as part of a predisposition screen in an ostensibly healthy population. It had not been previously curated by ICSL or reported in the Human Gene Mutation Database (HGMD: prior to June 1st, 2018), and was therefore a candidate for classification through an automated scoring system. Utilizing variant allele frequency, disease prevalence and penetrance estimates, and inheritance mode, an automated score was calculated to assess if this variant is too frequent to cause the disease. Based on the score and internal cut-off values, a variant classified as benign is not then subjected to further curation. The score for this variant resulted in a classification of benign for this disease.

GeneDx
Classification: Benign. Last evaluated: 2015-09-03. Review status: criteria provided, single submitter. Criteria: GeneDx Variant Classification (06012015). Collection method: clinical testing. Allele origin: germline. Affected: yes.
Comment: This variant is considered likely benign or benign based on one or more of the following criteria: it is a conservative change, it occurs at a poorly conserved position in the protein, it is predicted to be benign by multiple in silico algorithms, and/or has population frequency not consistent with disease.

Breakthrough Genomics
Classification: Benign. Review status: criteria provided, single submitter. Criteria: ACMG Guidelines, 2015. Collection method: not provided. Allele origin: germline. Inheritance: Autosomal recessive inheritance. Affected: yes.